The following is an entry in ClinVar:

NM_006282.5(STK4):c.116+1122G>T

Gene: STK4 (serine/threonine kinase 4; plus strand). Cytogenetic location: 20q13.12.
Variant type: single nucleotide variant.
Coding change: c.116+1122G>T on transcript NM_006282.5 (MANE Select); 1122 bases into the intron after coding-DNA position 116, G replaced by T.
Molecular consequence: intron variant.
Genome position (GRCh38, 1-based): chr20:44,973,280, G>T. VCF-style: chr20-44973280-G-T. GRCh37 (hg19) VCF-style: chr20-43601921-G-T.
Other names: c.116+1122G>T (NM_001352385.2).
Identifiers: ClinVar variation 2688413 (VCV002688413.2), dbSNP rs910671, ClinGen allele CA14758036.

ClinVar aggregate classification (germline): Benign (1 of 4 stars; one submission).

Allele frequency attached by ClinVar (database versions not stated): 1000 Genomes Project 0.48622; 1000 Genomes Project 30x 0.49688; TOPMed 0.51490.

Submission:

Unidad de Genómica Garrahan, Hospital de Pediatría Garrahan
Classification: Benign. Last evaluated: 2024-01-24. Review status: criteria provided, single submitter. Criteria: ACMG Guidelines, 2015. Collection method: clinical testing. Allele origin: germline. Affected: no. Observed: 45 variant alleles.
Comment: This variant is classified as Benign based on local population frequency. This variant was detected in 51% of patients studied by a panel of primary immunodeficiencies. Number of patients: 45. Only high quality variants are reported.